The following is an entry in ClinVar:

ClinVar aggregate classification (germline): Likely pathogenic (1 of 4 stars; one submission).

gnomAD v4.1: 4 of 1,613,968 alleles (0.00025%); highest among the groups gnomAD compares: Non-Finnish European, 0.00034%; no homozygotes.

Submission:

GeneDx
Classification: Likely pathogenic. Last evaluated: 2025-07-07. Review status: criteria provided, single submitter. Criteria: GeneDx Variant Classification Process June 2021. Collection method: clinical testing. Allele origin: germline. Affected: yes.
Comment: Canonical splice site variant predicted to result in an in-frame loss of the adjacent exon in a gene for which loss of function is a known mechanism of disease; Not observed at significant frequency in large population cohorts (gnomAD); Has not been previously published as pathogenic or benign to our knowledge

NM_014712.3(SETD1A):c.-15-1G>A

Gene: SETD1A (SET domain containing 1A, histone lysine methyltransferase; plus strand). Cytogenetic location: 16p11.2.
Variant type: single nucleotide variant.
Coding change: c.-15-1G>A on transcript NM_014712.3 (MANE Select); the canonical splice acceptor site of the intron before 15 bases upstream of the start codon, G replaced by A.
Molecular consequence: splice acceptor variant.
Genome position (GRCh38, 1-based): chr16:30,958,716, G>A. VCF-style: chr16-30958716-G-A. GRCh37 (hg19) VCF-style: chr16-30970037-G-A.
Identifiers: ClinVar variation 4685114 (VCV004685114.1).